The following is an entry in ClinVar:

NM_014727.3(KMT2B):c.2722G>A (p.Asp908Asn)

Gene: KMT2B (lysine methyltransferase 2B; plus strand). Cytogenetic location: 19q13.12.
Variant type: single nucleotide variant.
Coding change: c.2722G>A on transcript NM_014727.3 (MANE Select); coding-DNA position 2722, G replaced by A.
Protein change: p.Asp908Asn; replaces aspartic acid 908 with asparagine.
Molecular consequence: missense variant.
Genome position (GRCh38, 1-based): chr19:35,722,718, G>A. VCF-style: chr19-35722718-G-A. GRCh37 (hg19) VCF-style: chr19-36213620-G-A.
Other names: short protein forms D908N.
Identifiers: ClinVar variation 2626946 (VCV002626946.1), dbSNP rs2513322124, ClinGen allele CA405401362.

ClinVar aggregate classification (germline): Uncertain significance (1 of 4 stars; one submission).

Submission:

Greenwood Genetic Center Diagnostic Laboratories, Greenwood Genetic Center
Classification: Uncertain significance. Last evaluated: 2023-09-14. Review status: criteria provided, single submitter. Criteria: ACMG Guidelines, 2015. Collection method: clinical testing. Allele origin: germline. Affected: yes.
Comment: PM2, PP2, PP3